The following is an entry in ClinVar:

NM_014112.5(TRPS1):c.2897T>A (p.Leu966His)

Gene: TRPS1 (transcriptional repressor GATA binding 1; minus strand). Cytogenetic location: 8q23.3.
Variant type: single nucleotide variant.
Coding change: c.2897T>A on transcript NM_014112.5 (MANE Select); coding-DNA position 2897, T replaced by A.
Protein change: p.Leu966His; replaces leucine 966 with histidine.
Molecular consequence: missense variant.
Genome position (GRCh38, 1-based): chr8:115,415,011, A>T on the plus strand (T>A on the coding strand, the complement: TRPS1 is on the minus strand). VCF-style: chr8-115415011-A-T. GRCh37 (hg19) VCF-style: chr8-116427239-A-T.
Other names: c.2870T>A, p.Leu957His (NM_001282902.3); c.2876T>A, p.Leu959His (NM_001282903.3); c.2858T>A, p.Leu953His (NM_001330599.2); short protein forms L953H, L957H, L959H, L966H.
Identifiers: ClinVar variation 3371288 (VCV003371288.1).

ClinVar aggregate classification (germline): Uncertain significance (1 of 4 stars; one submission).

Submission:

GeneDx
Classification: Uncertain significance. Last evaluated: 2024-03-27. Review status: criteria provided, single submitter. Criteria: GeneDx Variant Classification Process June 2021. Collection method: clinical testing. Allele origin: germline. Affected: yes.
Comment: Not observed at significant frequency in large population cohorts (gnomAD); In silico analysis supports that this missense variant does not alter protein structure/function; Has not been previously published as pathogenic or benign to our knowledge